The following is an entry in ClinVar:

NM_000297.4(PKD2):c.1716+2T>A

Gene: PKD2 (polycystin 2, transient receptor potential cation channel; plus strand). Cytogenetic location: 4q22.1.
Variant type: single nucleotide variant.
Coding change: c.1716+2T>A on transcript NM_000297.4 (MANE Select); the canonical splice donor site of the intron after coding-DNA position 1716, T replaced by A.
Molecular consequence: splice donor variant.
Genome position (GRCh38, 1-based): chr4:88,052,160, T>A. VCF-style: chr4-88052160-T-A. GRCh37 (hg19) VCF-style: chr4-88973312-T-A.
Other names: c.1716+2T>A (NM_000297.3).
Identifiers: ClinVar variation 997114 (VCV000997114.4), dbSNP rs1720129561, ClinGen allele CA357622451.

ClinVar aggregate classification (germline): Pathogenic/Likely pathogenic. Review status: criteria provided, multiple submitters, no conflicts (2 of 4 stars). 4 submissions from 4 submitters: Pathogenic (2); Likely pathogenic (1). 1 of the submissions does not count toward it. Last evaluated 2026-03-22.

Conditions:
Polycystic kidney disease. Also called: Kidney, Polycystic; Polycystic kidney dysplasia. Identifiers: MedGen C0022680, MeSH D007690, MONDO:0020642, HP:0000113.
Polycystic kidney disease 2 (PKD2). Also called: POLYCYSTIC KIDNEY DISEASE, ADULT, TYPE II; Polycystic Kidney Disease 2, Autosomal Dominant; POLYCYSTIC KIDNEY DISEASE 2 WITH OR WITHOUT POLYCYSTIC LIVER DISEASE. Identifiers: MedGen C2751306, MONDO:0013131, OMIM 613095.
PKD2-related disorder. Also called: PKD2-related condition.

Allele frequency attached by ClinVar (database versions not stated): gnomAD exomes below 0.00001.

Submissions (4):

PreventionGenetics, part of Exact Sciences
Classification: Pathogenic for PKD2-related condition. Last evaluated: 2026-03-22. Review status: criteria provided, single submitter. Criteria: ACMG Guidelines, 2015. Collection method: clinical testing. Allele origin: germline.
Comment: The PKD2 c.1716+2T>A variant is predicted to disrupt the GT donor site and interfere with normal splicing. This variant was reported in an individual with autosomal dominant polycystic kidney disease (ADPKD) (Zhang et al. 2021. PubMed ID: 34716216). This variant has not been reported in a large population database (gnomAD), indicating this variant is rare. Variants that disrupt the consensus splice donor site in PKD2 are expected to be pathogenic. This variant is interpreted as pathogenic.

GeneDx
Classification: Likely pathogenic. Last evaluated: 2025-08-08. Review status: criteria provided, single submitter. Criteria: GeneDx Variant Classification Process June 2021. Collection method: clinical testing. Allele origin: germline. Affected: yes.
Comment: Canonical splice site variant predicted to result in an in-frame loss of the adjacent exon in a gene for which loss of function is a known mechanism of disease; Not observed at significant frequency in large population cohorts (gnomAD); This variant is associated with the following publications: (PMID: 20950398, 34716216)

Fulgent Genetics
Classification: Pathogenic for Polycystic kidney disease 2. Last evaluated: 2022-05-26. Review status: criteria provided, single submitter. Criteria: ACMG Guidelines, 2015. Collection method: clinical testing. Allele origin: unknown.

Department of Pathology and Laboratory Medicine, Sinai Health System
Classification: Pathogenic for Polycystic Kidney disease. Review status: no assertion criteria provided. Collection method: clinical testing. Allele origin: unknown. Affected: yes. Observed: 1 variant allele. Study: The Canadian Open Genetics Repository (COGR). Not counted in ClinVar's aggregate classification.
Comment: The PKD2 c.1716+2T>A variant was not identified in the literature nor was it identified in the dbSNP, ClinVar, GeneInsight-COGR, LOVD 3.0, PKD1-LOVD, databases. The variant was identified in ADPKD Mutation Database (classified as definitely pathogenic). The variant was not identified in the 1000 Genomes Project, the NHLBI GO Exome Sequencing Project or the Exome Aggregation Consortium (August 8th 2016) control databases. The c.1716+2T>A variant is predicted to cause abnormal splicing because the nucleotide substitution occurs in the invariant region of the splice consensus sequence. In addition, 4 of 5 in silico or computational prediction software programs (SpliceSiteFinder, MaxEntScan, NNSPLICE, GeneSplicer, HumanSpliceFinder) predict a greater than 10% difference in splicing. In summary, based on the above information, this variant meets our laboratoryâ€šÃ„Ã´s criteria to be classified as pathogenic. References (PMIDs): N/A